The following is an entry in ClinVar:

NM_000026.4(ADSL):c.248G>A (p.Arg83His)

Gene: ADSL (adenylosuccinate lyase; plus strand). Cytogenetic location: 22q13.1.
Variant type: single nucleotide variant.
Coding change: c.248G>A on transcript NM_000026.4 (MANE Select); coding-DNA position 248, G replaced by A.
Protein change: p.Arg83His; replaces arginine 83 with histidine.
Molecular consequence: missense variant. On other transcripts: non-coding transcript variant (1).
Genome position (GRCh38, 1-based): chr22:40,349,926, G>A. VCF-style: chr22-40349926-G-A. GRCh37 (hg19) VCF-style: chr22-40745930-G-A.
Other names: c.248G>A, p.Arg83His (NM_001123378.3, NM_001363840.3, NM_001410812.1 and 2 more transcripts); c.56G>A, p.Arg19His (NM_001317923.2); short protein forms R83H, R19H.
Identifiers: ClinVar variation 2194336 (VCV002194336.4), dbSNP rs765503061, ClinGen allele CA10247654.

ClinVar aggregate classification (germline): Uncertain significance (1 of 4 stars; one submission).

Conditions:
Adenylosuccinate lyase deficiency (ADSLD). Also called: ADSL DEFICIENCY. Identifiers: Orphanet 46, MedGen C0268126, MONDO:0007068, OMIM 103050.

Allele frequency attached by ClinVar (database versions not stated): gnomAD 0.00001; gnomAD exomes 0.00001; TOPMed 0.00001; ExAC 0.00002.
gnomAD v4.1: 11 of 1,614,022 alleles (0.00068%); highest among the groups gnomAD compares: East Asian, 0.0022%; no homozygotes.

Submission:

Labcorp Genetics (formerly Invitae), Labcorp
Classification: Uncertain significance for Adenylosuccinate lyase deficiency. Last evaluated: 2022-09-26. Review status: criteria provided, single submitter. Criteria: Invitae Variant Classification Sherloc (09022015). Collection method: clinical testing. Allele origin: germline.
Comment: In summary, the available evidence is currently insufficient to determine the role of this variant in disease. Therefore, it has been classified as a Variant of Uncertain Significance. Advanced modeling of protein sequence and biophysical properties (such as structural, functional, and spatial information, amino acid conservation, physicochemical variation, residue mobility, and thermodynamic stability) performed at Invitae indicates that this missense variant is not expected to disrupt ADSL protein function. This variant has not been reported in the literature in individuals affected with ADSL-related conditions. This variant is present in population databases (rs765503061, gnomAD 0.003%). This sequence change replaces arginine, which is basic and polar, with histidine, which is basic and polar, at codon 83 of the ADSL protein (p.Arg83His).